The following is an entry in ClinVar:

NM_003745.2(SOCS1):c.192C>G (p.Tyr64Ter)

Gene: SOCS1 (suppressor of cytokine signaling 1; minus strand). Cytogenetic location: 16p13.13.
Variant type: single nucleotide variant.
Coding change: c.192C>G on transcript NM_003745.2 (MANE Select); coding-DNA position 192, C replaced by G.
Protein change: p.Tyr64Ter; replaces tyrosine 64 with a stop codon.
Molecular consequence: nonsense.
Genome position (GRCh38, 1-based): chr16:11,255,287, G>C on the plus strand (C>G on the coding strand, the complement: SOCS1 is on the minus strand). VCF-style: chr16-11255287-G-C. GRCh37 (hg19) VCF-style: chr16-11349144-G-C.
Other names: short protein forms Y64*.
Identifiers: ClinVar variation 1120219 (VCV001120219.5), dbSNP rs2141125120, ClinGen allele CA394740566.

ClinVar aggregate classification (germline): Likely pathogenic. Review status: criteria provided, single submitter (1 of 4 stars). 3 submissions from 2 submitters: Likely pathogenic (1). 2 of the submissions do not count toward it. Last evaluated 2021-05-27.

Conditions:
Autoinflammatory syndrome with immunodeficiency. Also called: AUTOINFLAMMATORY SYNDROME, FAMILIAL, WITH OR WITHOUT IMMUNODEFICIENCY. Identifiers: MedGen C5543547, MONDO:0800130, OMIM 619375.

Submissions (3):

Institute for Medical Genetics and Human Genetics, Charité - Universitätsmedizin Berlin
Classification: Likely pathogenic. Last evaluated: 2021-05-27. Review status: criteria provided, single submitter. Criteria: ACMG Guidelines, 2015. Collection method: not provided. Allele origin: germline. Inheritance: Autosomal dominant inheritance. Affected: yes. Observed: 1 heterozygote.

OMIM
Classification: Pathogenic for AUTOINFLAMMATORY SYNDROME, FAMILIAL, WITH OR WITHOUT IMMUNODEFICIENCY. Last evaluated: 2021-06-17. Review status: no assertion criteria provided. Collection method: literature only. Allele origin: germline. Not counted in ClinVar's aggregate classification.

Institute for Medical Genetics and Human Genetics, Charité - Universitätsmedizin Berlin
Classification: Likely pathogenic for Autoinflammatory syndrome with immunodeficiency. Last evaluated: 2022-09-22. Review status: flagged submission. Criteria: ACMG Guidelines, 2015. Collection method: clinical testing. Allele origin: germline. Inheritance: Autosomal dominant inheritance. Affected: yes. Observed: 1 heterozygote. Not counted in ClinVar's aggregate classification.
ClinVar note: Reason: This record appears to be redundant with a more recent record from the same submitter.
ClinVar note: Notes: SCV002574879 appears to be redundant with SCV001653515.

Literature cited by the submitters: PubMed 32499645 (cited by Institute for Medical Genetics and Human Genetics, Charité - Universitätsmedizin Berlin and OMIM).